The following is an entry in ClinVar:

NM_145698.5(ACBD5):c.145G>A (p.Ala49Thr)

Genes: ACBD5 (acyl-CoA binding domain containing 5; minus strand), LOC130003557 (ATAC-STARR-seq lymphoblastoid active region 3182; plus strand). Cytogenetic location: 10p12.1.
Variant type: single nucleotide variant.
Coding change: c.145G>A on transcript NM_145698.5 (MANE Select); coding-DNA position 145, G replaced by A.
Protein change: p.Ala49Thr; replaces alanine 49 with threonine.
Molecular consequence: missense variant. On other transcripts: 5 prime UTR variant (7).
Genome position (GRCh38, 1-based): chr10:27,240,355, C>T on the plus strand (G>A on the coding strand, the complement: ACBD5 is on the minus strand). VCF-style: chr10-27240355-C-T. GRCh37 (hg19) VCF-style: chr10-27529284-C-T.
Other names: c.40G>A, p.Ala14Thr (NM_001042473.4, NM_001352574.2, NM_001352575.2 and 6 more transcripts); c.139G>A, p.Ala47Thr (NM_001271512.3, NM_001352571.1, NM_001352586.1 and 1 more transcripts); c.-62G>A (NM_001301251.2, NM_001301252.2, NM_001301253.2 and 4 more transcripts); c.166G>A, p.Ala56Thr (NM_001352568.1, NM_001352572.1); c.145G>A, p.Ala49Thr (NM_001352569.1, NM_001352570.1, NM_001352573.1 and 2 more transcripts); short protein forms A14T, A47T, A49T, A56T.
Identifiers: ClinVar variation 1003527 (VCV001003527.9), dbSNP rs1465093167, ClinGen allele CA376378656.

ClinVar aggregate classification (germline): Uncertain significance (1 of 4 stars; one submission).

Allele frequency attached by ClinVar (database versions not stated): gnomAD exomes below 0.00001; TOPMed below 0.00001; gnomAD 0.00003.
gnomAD v4.1: 5 of 1,613,964 alleles (0.00031%); highest among the groups gnomAD compares: African/African-American, 0.0067%; no homozygotes.

Submission:

Labcorp Genetics (formerly Invitae), Labcorp
Classification: Uncertain significance. Last evaluated: 2022-09-27. Review status: criteria provided, single submitter. Criteria: Invitae Variant Classification Sherloc (09022015). Collection method: clinical testing. Allele origin: germline.
Comment: This sequence change replaces alanine, which is neutral and non-polar, with threonine, which is neutral and polar, at codon 49 of the ACBD5 protein (p.Ala49Thr). In summary, the available evidence is currently insufficient to determine the role of this variant in disease. Therefore, it has been classified as a Variant of Uncertain Significance. Advanced modeling of protein sequence and biophysical properties (such as structural, functional, and spatial information, amino acid conservation, physicochemical variation, residue mobility, and thermodynamic stability) performed at Invitae indicates that this missense variant is expected to disrupt ACBD5 protein function. ClinVar contains an entry for this variant (Variation ID: 1003527). This variant has not been reported in the literature in individuals affected with ACBD5-related conditions. This variant is present in population databases (no rsID available, gnomAD 0.05%).